The following is an entry in ClinVar:

NM_000278.5(PAX2):c.71G>A (p.Gly24Glu)

Gene: PAX2 (paired box 2; plus strand). Cytogenetic location: 10q24.31.
Variant type: single nucleotide variant.
Coding change: c.71G>A on transcript NM_000278.5 (MANE Select); coding-DNA position 71, G replaced by A.
Protein change: p.Gly24Glu; replaces glycine 24 with glutamic acid.
Molecular consequence: missense variant.
Genome position (GRCh38, 1-based): chr10:100,749,773, G>A. VCF-style: chr10-100749773-G-A. GRCh37 (hg19) VCF-style: chr10-102509530-G-A.
Other names: c.164G>A, p.Gly55Glu (NM_001304569.2); c.71G>A, p.Gly24Glu (NM_003987.5, NM_003988.5, NM_003989.5 and 1 more transcripts); short protein forms G55E, G24E.
Identifiers: ClinVar variation 2606086 (VCV002606086.17), dbSNP rs201239919, ClinGen allele CA213063350.
Genomic context (GRCh38, chr10:100,749,773, plus strand): 5'-GGGGTGTTGTGTTTTTTTCTTGTCTCTCCCCAGCAGGGCACGGGGGTGTGAACCAGCTCG[G>A]GGGGGTGTTTGTGAACGGCCGGCCCCTACCCGACGTGGTGAGGCAGCGCATCGTGGAGCT-3'
Protein context (NP_000269.3, residues 14-34): HPGHGGVNQL[Gly24Glu]GVFVNGRPLP

ClinVar aggregate classification (germline): Conflicting classifications of pathogenicity. Review status: criteria provided, conflicting classifications (1 of 4 stars). 2 submissions from 2 submitters: Pathogenic (1); Uncertain significance (1). Last evaluated 2026-04-07.

Conditions:
Inborn genetic diseases. Identifiers: MedGen C0950123, MeSH D030342.

Submissions (2):

Ambry Genetics
Classification: Uncertain significance for Inborn genetic diseases. Last evaluated: 2026-04-07. Review status: criteria provided, single submitter. Criteria: Ambry Variant Classification Scheme 2023. Collection method: clinical testing. Allele origin: germline.
Comment: The c.71G>A (p.G24E) alteration is located in exon 2 (coding exon 2) of the PAX2 gene. This alteration results from a G to A substitution at nucleotide position 71, causing the glycine (G) at amino acid position 24 to be replaced by a glutamic acid (E). This variant was not reported in population-based cohorts in the Genome Aggregation Database (gnomAD). This variant has been identified in one individual with renal hypodysplasia (Thomas, 2011). Additionally, at least two other alterations at the same locus, c.71G>T (p.G24V) and c.71G>C (p.G24A), have been detected in individuals with focal segmental glomerulosclerosis (Nagano, 2020; Gribouval, 2018). This amino acid position is highly conserved in available vertebrate species. This missense alteration is located in a region that has a low rate of benign missense variation (Lek, 2016; Firth, 2009). This alteration is predicted to be deleterious by in silico analysis. Based on insufficient or conflicting evidence, the clinical significance of this alteration remains unclear.

CeGaT Center for Human Genetics Tuebingen
Classification: Pathogenic. Last evaluated: 2025-05-01. Review status: criteria provided, single submitter. Criteria: CeGaT Center For Human Genetics Tuebingen Variant Classification Criteria Version 2. Collection method: clinical testing. Allele origin: germline. Affected: yes. Observed: 4 variant alleles.
Comment: PAX2: PM1, PM2, PM5, PP1, PP2, PP3, PS4:Supporting

Literature cited by the submitters: PubMed 21380624 (cited by Ambry Genetics); PubMed 30348286 (cited by Ambry Genetics); PubMed 31937884 (cited by Ambry Genetics).